The following is an entry in ClinVar:

ClinVar aggregate classification (germline): Uncertain significance (1 of 4 stars; one submission).

Conditions:
Familial hemiplegic migraine. Identifiers: MedGen C0338484, MONDO:0000700.

Allele frequency attached by ClinVar (database versions not stated): gnomAD exomes below 0.00001; gnomAD 0.00001; TOPMed 0.00002.
gnomAD v4.1: 4 of 1,613,854 alleles (0.00025%); highest among the groups gnomAD compares: African/African-American, 0.004%; no homozygotes.

Submission:

Labcorp Genetics (formerly Invitae), Labcorp
Classification: Uncertain significance for Familial hemiplegic migraine. Last evaluated: 2022-12-13. Review status: criteria provided, single submitter. Criteria: Invitae Variant Classification Sherloc (09022015). Collection method: clinical testing. Allele origin: germline.
Comment: This sequence change replaces tyrosine, which is neutral and polar, with cysteine, which is neutral and slightly polar, at codon 905 of the ATP1A2 protein (p.Tyr905Cys). This variant is present in population databases (no rsID available, gnomAD 0.01%). This variant has not been reported in the literature in individuals affected with ATP1A2-related conditions. Advanced modeling of protein sequence and biophysical properties (such as structural, functional, and spatial information, amino acid conservation, physicochemical variation, residue mobility, and thermodynamic stability) performed at Invitae indicates that this missense variant is expected to disrupt ATP1A2 protein function. In summary, the available evidence is currently insufficient to determine the role of this variant in disease. Therefore, it has been classified as a Variant of Uncertain Significance.

NM_000702.4(ATP1A2):c.2714A>G (p.Tyr905Cys)

Gene: ATP1A2 (ATPase Na+/K+ transporting subunit alpha 2; plus strand). Cytogenetic location: 1q23.2.
Variant type: single nucleotide variant.
Coding change: c.2714A>G on transcript NM_000702.4 (MANE Select); coding-DNA position 2714, A replaced by G.
Protein change: p.Tyr905Cys; replaces tyrosine 905 with cysteine.
Molecular consequence: missense variant.
Genome position (GRCh38, 1-based): chr1:160,136,905, A>G. VCF-style: chr1-160136905-A-G. GRCh37 (hg19) VCF-style: chr1-160106695-A-G.
Other names: short protein forms Y905C.
Identifiers: ClinVar variation 2982179 (VCV002982179.3), dbSNP rs1213654514, ClinGen allele CA343252453.